The following is an entry in ClinVar:

NM_033159.4(HYAL1):c.297del (p.Asn99fs)

Gene: HYAL1 (hyaluronidase 1; minus strand). Cytogenetic location: 3p21.31.
Variant type: Deletion.
Coding change: c.297del on transcript NM_033159.4 (MANE Select); coding-DNA position 297, one base deleted (T; older notation c.297delT).
Protein change: p.Asn99fs; shifts the reading frame from asparagine 99.
Molecular consequence: frameshift variant. On other transcripts: non-coding transcript variant (1), intron variant (2).
Genome position (GRCh38, 1-based): chr3:50,302,660, A deleted on the plus strand (T on the coding strand, the reverse complement: HYAL1 is on the minus strand). VCF-style (leftmost placement, unchanged base first): chr3-50302659-CA-C. GRCh37 (hg19) VCF-style: chr3-50340090-CA-C.
Other names: c.297del, p.Asn99fs (NM_153281.2, NM_153282.3); c.-26-455del (NM_153285.3); c.-213-37del (NM_153283.3); short protein forms N99fs.
Identifiers: ClinVar variation 4069599 (VCV004069599.2).

ClinVar aggregate classification (germline): Likely pathogenic (1 of 4 stars; one submission).

Conditions:
Deficiency of hyaluronoglucosaminidase (MPS9). Also called: Mucopolysaccharidosis type 9; HYALURONIDASE DEFICIENCY; MPS IX. Identifiers: Orphanet 67041, MedGen C1291490, MONDO:0011093, OMIM 601492.

Submission:

Natera, Inc.
Classification: Likely pathogenic for Mucopolysaccharidosis type IX. Last evaluated: 2025-02-13. Review status: criteria provided, single submitter. Criteria: Natera Variant Classification Schema (03/2026). Collection method: clinical testing. Allele origin: germline.
Comment: The c.297del variant in HYAL1 is a frameshift variant predicted to shift the reading frame beginning at codon 99 and leads to a stop codon 4 codons downstream. This variant is expected to result in nonsense mediated decay, truncation, or a dysfunctional protein product. This variant is rare in the general population with a frequency below the threshold expected for the associated phenotype(s). Given the available evidence, this variant is classified as Likely Pathogenic.